The following is an entry in ClinVar:

ClinVar aggregate classification (germline): Pathogenic. Review status: reviewed by expert panel (3 of 4 stars). 5 submissions from 5 submitters: Pathogenic (1). 4 of the submissions do not count toward it. Last evaluated 2023-08-04.

Conditions:
CDH1-related diffuse gastric and lobular breast cancer syndrome. Also called: CDH1-related diffuse gastric and lobular breast cancer. Identifiers: MedGen CN311521, MONDO:0100488.
Hereditary cancer-predisposing syndrome. Also called: Tumor predisposition; Hereditary Cancer Syndrome; Hereditary neoplastic syndrome; Neoplastic Syndromes, Hereditary. Identifiers: Orphanet 140162, MedGen C0027672, MeSH D009386, MONDO:0015356.
Hereditary diffuse gastric adenocarcinoma (HDGC). Also called: DIFFUSE GASTRIC AND LOBULAR BREAST CANCER SYNDROME. Identifiers: Orphanet 26106, MedGen C1708349, MONDO:0007648, OMIM 137215.

Submissions (5):

Clingen Gastric Cancer Variant Curation Expert Panel
Classification: Pathogenic for CDH1-related diffuse gastric and lobular breast cancer syndrome. Last evaluated: 2023-08-04. Review status: reviewed by expert panel. Criteria: ClinGen CDH1 ACMG Specifications V3.1. Collection method: curation. Allele origin: germline. Inheritance: Autosomal dominant inheritance.
Comment: The c.202delT (p.Tyr68Ilefs*15) variant is predicted to result in a premature stop codon that leads to nonsense mediate decay (PVS1 and PM5_supporting). The variant is absent in the gnomAD cohort (PM2_supporting). Therefore, this variant meets criteria to be classified as pathogenic based on the ACMG/AMP criteria applied as specified by the CDH1 Variant Curation Expert Panel (CDH1 VCEP specifications version 3.1): PVS1, PM2_supporting, PM5_supporting.

Labcorp Genetics (formerly Invitae), Labcorp
Classification: Pathogenic for Hereditary diffuse gastric adenocarcinoma. Last evaluated: 2024-07-03. Review status: criteria provided, single submitter. Criteria: Invitae Variant Classification Sherloc (09022015). Collection method: clinical testing. Allele origin: germline. Not counted in ClinVar's aggregate classification.
Comment: This sequence change creates a premature translational stop signal (p.Tyr68Ilefs*15) in the CDH1 gene. It is expected to result in an absent or disrupted protein product. Loss-of-function variants in CDH1 are known to be pathogenic (PMID: 15235021, 20373070). This variant is not present in population databases (gnomAD no frequency). This variant has not been reported in the literature in individuals affected with CDH1-related conditions. ClinVar contains an entry for this variant (Variation ID: 185408). For these reasons, this variant has been classified as Pathogenic.

Myriad Genetics, Inc.
Classification: Pathogenic for Hereditary diffuse gastric adenocarcinoma. Last evaluated: 2023-06-08. Review status: criteria provided, single submitter. Criteria: Myriad Autosomal Dominant, Autosomal Recessive and X-Linked Classification Criteria (2023). Collection method: clinical testing. Allele origin: unknown. Not counted in ClinVar's aggregate classification.
Comment: This variant is considered pathogenic. This variant creates a frameshift predicted to result in premature protein truncation.

Ambry Genetics
Classification: Pathogenic for Hereditary cancer-predisposing syndrome. Last evaluated: 2022-04-04. Review status: criteria provided, single submitter. Criteria: Ambry Variant Classification Scheme 2023. Collection method: clinical testing. Allele origin: germline. Not counted in ClinVar's aggregate classification.
Comment: The c.202delT pathogenic mutation, located in coding exon 3 of the CDH1 gene, results from a deletion of one nucleotide at nucleotide position 202, causing a translational frameshift with a predicted alternate stop codon (p.Y68Ifs*15). This alteration is expected to result in loss of function by premature protein truncation or nonsense-mediated mRNA decay. As such, this alteration is interpreted as a disease-causing mutation.

GeneDx
Classification: Pathogenic. Last evaluated: 2016-03-17. Review status: criteria provided, single submitter. Criteria: GeneDx Variant Classification (06012015). Collection method: clinical testing. Allele origin: germline. Affected: yes. Not counted in ClinVar's aggregate classification.
Comment: This deletion of one nucleotide in CDH1 is denoted c.202delT at the cDNA level and p.Tyr68IlefsX15 (Y68IfsX15) at the protein level. The normal sequence, with the base that is deleted in braces, is AGCC[T]ATTT. The deletion causes a frameshift which changes a Tyrosine to an Isoleucine at codon 68, and creates a premature stop codon at position 15 of the new reading frame. Although this variant has not, to our knowledge, been reported in the literature, it is predicted to cause loss of normal protein function through either protein truncation or nonsense-mediated mRNA decay. We consider this variant to be pathogenic.

Literature cited by the submitters: PubMed 15235021 (cited by Labcorp Genetics (formerly Invitae), Labcorp); PubMed 20373070 (cited by Labcorp Genetics (formerly Invitae), Labcorp).

NM_004360.5(CDH1):c.202del (p.Tyr68fs)

Gene: CDH1 (cadherin 1; plus strand). Cytogenetic location: 16q22.1.
Variant type: Deletion.
Coding change: c.202del on transcript NM_004360.5 (MANE Select); coding-DNA position 202, one base deleted (T; older notation c.202delT).
Protein change: p.Tyr68fs; shifts the reading frame from tyrosine 68.
Molecular consequence: frameshift variant. On other transcripts: 5 prime UTR variant (2).
Genome position (GRCh38, 1-based): chr16:68,801,708, T deleted. VCF-style (leftmost placement, unchanged base first): chr16-68801707-CT-C. GRCh37 (hg19) VCF-style: chr16-68835610-CT-C.
Other names: c.202del (LRG_301t1); c.202del, p.Tyr68fs (NM_001317184.2); c.-1414del (NM_001317185.2); c.-1618del (NM_001317186.2); short protein forms Y68fs.
Identifiers: ClinVar variation 185408 (VCV000185408.20), dbSNP rs786202151, ClinGen allele CA191858.